The following is an entry in ClinVar:

ClinVar aggregate classification (germline): Pathogenic (1 of 4 stars; one submission).

Conditions:
Familial adenomatous polyposis 1 (FAP1). Also called: FAMILIAL ADENOMATOUS POLYPOSIS 1, ATTENUATED; POLYPOSIS, ADENOMATOUS INTESTINAL. Identifiers: MedGen C2713442, MONDO:0021056, OMIM 175100. Disease mechanism: loss of function.

Submission:

Myriad Genetics, Inc.
Classification: Pathogenic for Familial adenomatous polyposis 1. Last evaluated: 2023-04-25. Review status: criteria provided, single submitter. Criteria: Myriad Autosomal Dominant, Autosomal Recessive and X-Linked Classification Criteria (2023). Collection method: clinical testing. Allele origin: unknown.
Comment: This variant is considered pathogenic. This variant creates a frameshift predicted to result in premature protein truncation.

NM_000038.6(APC):c.395del (p.Gly132fs)

Gene: APC (APC regulator of Wnt signaling pathway; plus strand). Cytogenetic location: 5q22.2.
Variant type: Deletion.
Coding change: c.395del on transcript NM_000038.6 (MANE Select); coding-DNA position 395, one base deleted (G; older notation c.395delG).
Protein change: p.Gly132fs; shifts the reading frame from glycine 132.
Molecular consequence: frameshift variant. On other transcripts: 5 prime UTR variant (4), non-coding transcript variant (2).
Genome position (GRCh38, 1-based): chr5:112,767,363, G deleted; the last of 2 consecutive G bases (chr5:112,767,362-112,767,363); deleting either gives the same sequence. VCF-style (leftmost placement, unchanged base first): chr5-112767361-TG-T. GRCh37 (hg19) VCF-style: chr5-112103058-TG-T.
Other names: c.395del, p.Gly132fs (NM_001127510.3, NM_001354895.2, NM_001354896.2 and 16 more transcripts); c.425del, p.Gly142fs (NM_001127511.3, NM_001354897.2, NM_001354902.2 and 1 more transcripts); c.320del, p.Gly107fs (NM_001354898.2, NM_001354904.2, NM_001407451.1); c.218del, p.Gly73fs (NM_001354900.2, NM_001354901.2, NM_001354905.2 and 1 more transcripts); c.-641del (NM_001354906.2, NM_001407470.1, NM_001407471.1 and 1 more transcripts); short protein forms G107fs, G132fs, G142fs, G73fs.
Identifiers: ClinVar variation 2584329 (VCV002584329.1), dbSNP rs2532301679, ClinGen allele CA2582341307.
Genomic context (GRCh38, chr5:112,767,361, plus strand): 5'-TCCTGTTCCTATGGGTTCATTTCCAAGAAGAGGGTTTGTAAATGGAAGCAGAGAAAGTAC[TG>T]GATATTTAGAAGAACTTGAGAAAGAGAGGTAACTTTTCTTCATATAGTAAACATTGCCTT-3'